The following is an entry in ClinVar:

NM_000400.4(ERCC2):c.1146G>C (p.Leu382=)

Gene: ERCC2 (ERCC excision repair 2, TFIIH core complex helicase subunit; minus strand). Cytogenetic location: 19q13.32.
Variant type: single nucleotide variant.
Coding change: c.1146G>C on transcript NM_000400.4 (MANE Select); coding-DNA position 1146, G replaced by C.
Protein change: p.Leu382=; no amino-acid change (leucine 382 retained).
Molecular consequence: synonymous variant.
Genome position (GRCh38, 1-based): chr19:45,361,615, C>G on the plus strand (G>C on the coding strand, the complement: ERCC2 is on the minus strand). VCF-style: chr19-45361615-C-G. GRCh37 (hg19) VCF-style: chr19-45864873-C-G.
Other names: c.1074G>C, p.Leu358= (NM_001130867.2).
Identifiers: ClinVar variation 1592762 (VCV001592762.33), dbSNP rs372468267, ClinGen allele CA9513489.

ClinVar aggregate classification (germline): Likely benign. Review status: criteria provided, multiple submitters, no conflicts (2 of 4 stars). 4 submissions from 4 submitters: Likely benign (4). Last evaluated 2025-10-31.

Conditions:
Xeroderma pigmentosum (XP). Identifiers: Orphanet 910, MedGen C0043346, MONDO:0019600.
Inborn genetic diseases. Identifiers: MedGen C0950123, MeSH D030342.

Allele frequency attached by ClinVar (database versions not stated): ExAC 0.00002; gnomAD exomes 0.00002 and 0.00003; TOPMed 0.00002; gnomAD 0.00003; ESP Exome Variant Server 0.00008.
gnomAD v4.1: 37 of 1,613,760 alleles (0.0023%); highest among the groups gnomAD compares: South Asian, 0.02%; 1 homozygote.

Submissions (4):

Labcorp Genetics (formerly Invitae), Labcorp
Classification: Likely benign. Last evaluated: 2025-10-31. Review status: criteria provided, single submitter. Criteria: Invitae Variant Classification Sherloc (09022015). Collection method: clinical testing. Allele origin: germline.

CeGaT Center for Human Genetics Tuebingen
Classification: Likely benign. Last evaluated: 2024-11-01. Review status: criteria provided, single submitter. Criteria: CeGaT Center For Human Genetics Tuebingen Variant Classification Criteria Version 2. Collection method: clinical testing. Allele origin: germline. Affected: yes. Observed: 2 variant alleles.
Comment: ERCC2: BP4, BP7

Ambry Genetics
Classification: Likely benign for Inborn genetic diseases. Last evaluated: 2022-04-19. Review status: criteria provided, single submitter. Criteria: Ambry Variant Classification Scheme 2023. Collection method: clinical testing. Allele origin: germline.

Sema4
Classification: Likely benign for Xeroderma pigmentosum. Last evaluated: 2021-06-28. Review status: criteria provided, single submitter. Criteria: Sema4 Curation Guidelines. Collection method: curation. Allele origin: germline.